The following is an entry in ClinVar:

ClinVar aggregate classification (germline): Likely pathogenic (1 of 4 stars; one submission).

Conditions:
Familial adenomatous polyposis 1 (FAP1). Also called: FAMILIAL ADENOMATOUS POLYPOSIS 1, ATTENUATED; POLYPOSIS, ADENOMATOUS INTESTINAL. Identifiers: MedGen C2713442, MONDO:0021056, OMIM 175100. Disease mechanism: loss of function.

Submission:

Programa de cancer hereditario, Instituto de medicina traslacional e ingenieria biomedica, Hospital Italiano de Buenos Aires
Classification: Likely pathogenic for Familial adenomatous polyposis 1. Review status: criteria provided, single submitter. Criteria: Yin et al. (Am J Hum Genet. 2024). Collection method: research. Allele origin: germline. Affected: yes. Observed: 2 variant alleles, 2 heterozygotes.
Comment: Evaluation following ClinGen Hereditary Cancer VCEP guidelines identifies this variant as Likely Pathogenic. Criteria met: PVS1: Null variant (nonsense, frameshift, canonical ±1 or 2 splice sites, initiation codon, single or multi-exon deletion) in a gene where LOF is a known mechanism of disease. PM2 (Supporting): Absent from controls (or at extremely low frequency) in ExAC, gnomAD, or 1000 Genomes.

NM_000038.6(APC):c.4359del (p.Asn1455fs)

Gene: APC (APC regulator of Wnt signaling pathway; plus strand). Cytogenetic location: 5q22.2.
Variant type: Deletion.
Coding change: c.4359del on transcript NM_000038.6 (MANE Select); coding-DNA position 4359, one base deleted (T; older notation c.4359delT).
Protein change: p.Asn1455fs; shifts the reading frame from asparagine 1455.
Molecular consequence: frameshift variant. On other transcripts: non-coding transcript variant (2).
Genome position (GRCh38, 1-based): chr5:112,839,953, T deleted. VCF-style (leftmost placement, unchanged base first): chr5-112839952-CT-C. GRCh37 (hg19) VCF-style: chr5-112175649-CT-C.
Other names: c.4359del, p.Asn1455fs (NM_001354895.2, NM_001127510.3, NM_001407450.1); c.4413del, p.Asn1473fs (NM_001354896.2, NM_001407447.1, NM_001407448.1 and 1 more transcripts); c.4389del, p.Asn1465fs (NM_001354897.2); c.4284del, p.Asn1430fs (NM_001354898.2); c.4275del, p.Asn1427fs (NM_001354899.2); c.4236del, p.Asn1414fs (NM_001354900.2); c.4182del, p.Asn1396fs (NM_001354901.2, NM_001407453.1); c.4086del, p.Asn1364fs (NM_001354902.2); and 12 more; short protein forms N1071fs, N1172fs, N1295fs, N1326fs, N1329fs, N1354fs, N1364fs, N1372fs.
Identifiers: ClinVar variation 4533183 (VCV004533183.1).
Genomic context (GRCh38, chr5:112,839,952, plus strand): 5'-CAAGCAGAAGTAAAACACCTCCACCACCTCCTCAAACAGCTCAAACCAAGCGAGAAGTAC[CT>C]AAAAATAAAGCACCTACTGCTGAAAAGAGAGAGAGTGGACCTAAGCAAGCTGCAGTAAAT-3'